The following is an entry in ClinVar:

ClinVar aggregate classification (germline): Conflicting classifications of pathogenicity. Review status: criteria provided, conflicting classifications (1 of 4 stars). 3 submissions from 3 submitters: Uncertain significance (2); Likely benign (1). Last evaluated 2024-07-22.

Conditions:
Hereditary breast ovarian cancer syndrome. Also called: Breast and ovarian cancer; BRCA1- and BRCA2-Associated Hereditary Breast and Ovarian Cancer; Hereditary breast and ovarian cancer; Hereditary breast and/or ovarian cancer syndrome; Hereditary breast and ovarian cancer syndrome; Hereditary breast and ovarian cancer syndrome (HBOC). Identifiers: Orphanet 145, MedGen C0677776, MeSH D061325, MONDO:0003582. Disease mechanism: loss of function.
Hereditary cancer-predisposing syndrome. Also called: Neoplastic Syndromes, Hereditary; Tumor predisposition; Hereditary Cancer Syndrome; Hereditary neoplastic syndrome. Identifiers: Orphanet 140162, MedGen C0027672, MeSH D009386, MONDO:0015356.

Submissions (3):

Ambry Genetics
Classification: Uncertain significance for Hereditary cancer-predisposing syndrome. Last evaluated: 2024-07-22. Review status: criteria provided, single submitter. Criteria: Ambry Variant Classification Scheme 2023. Collection method: clinical testing. Allele origin: germline.
Comment: The p.G1205V variant (also known as c.3614G>T), located in coding exon 9 of the BRCA1 gene, results from a G to T substitution at nucleotide position 3614. The glycine at codon 1205 is replaced by valine, an amino acid with dissimilar properties. This variant was reported in 1 of 701 Brazilian individuals with features consistent with a hereditary breast and/or ovarian cancer syndrome (Faria JP et al. Breast Cancer Res Treat, 2024 Jun). This amino acid position is not well conserved in available vertebrate species. In addition, the in silico prediction for this alteration is inconclusive. Based on the available evidence, the clinical significance of this variant remains unclear.

University of Washington Department of Laboratory Medicine, University of Washington
Classification: Likely benign for Hereditary cancer-predisposing syndrome. Last evaluated: 2023-03-23. Review status: criteria provided, single submitter. Criteria: Dines et al. (Genet Med. 2020). Collection method: curation. Allele origin: germline.
Comment: Missense variant in a coldspot region where missense variants are very unlikely to be pathogenic (PMID:31911673).

BRCA1 coldspot (exon 11 using historical exon numbering). Reclassification based on statistical prior probability

Labcorp Genetics (formerly Invitae), Labcorp
Classification: Uncertain significance for Hereditary breast ovarian cancer syndrome. Last evaluated: 2018-09-21. Review status: criteria provided, single submitter. Criteria: Invitae Variant Classification Sherloc (09022015). Collection method: clinical testing. Allele origin: germline.
Comment: This sequence change replaces glycine with valine at codon 1205 of the BRCA1 protein (p.Gly1205Val). The glycine residue is weakly conserved and there is a moderate physicochemical difference between glycine and valine. This variant is not present in population databases (ExAC no frequency). This variant has not been reported in the literature in individuals with BRCA1-related disease. Algorithms developed to predict the effect of missense changes on protein structure and function (SIFT, PolyPhen-2, Align-GVGD) all suggest that this variant is likely to be tolerated, but these predictions have not been confirmed by published functional studies and their clinical significance is uncertain. In summary, the available evidence is currently insufficient to determine the role of this variant in disease. Therefore, it has been classified as a Variant of Uncertain Significance.

Literature cited by the submitters: PubMed 38874686 (cited by Ambry Genetics).

NM_007294.4(BRCA1):c.3614G>T (p.Gly1205Val)

Genes: BRCA1 (BRCA1 DNA repair associated; minus strand), LOC126862571 (BRD4-independent group 4 enhancer GRCh37_chr17:41243136-41244335; plus strand). Cytogenetic location: 17q21.31.
Variant type: single nucleotide variant.
Coding change: c.3614G>T on transcript NM_007294.4 (MANE Select); coding-DNA position 3614, G replaced by T.
Protein change: p.Gly1205Val; replaces glycine 1205 with valine.
Molecular consequence: missense variant. On other transcripts: intron variant (135).
Genome position (GRCh38, 1-based): chr17:43,091,917, C>A on the plus strand (G>T on the coding strand, the complement: BRCA1 is on the minus strand). VCF-style: chr17-43091917-C-A. GRCh37 (hg19) VCF-style: chr17-41243934-C-A.
Other names: c.3401G>T, p.Gly1134Val (NM_001407571.1, NM_001407853.1, NM_001407894.1 and 9 more transcripts); c.3614G>T, p.Gly1205Val (NM_001407581.1, NM_001407582.1, NM_001407583.1 and 30 more transcripts); c.3611G>T, p.Gly1204Val (NM_001407587.1, NM_001407590.1, NM_001407591.1 and 22 more transcripts); c.3605G>T, p.Gly1202Val (NM_001407646.1, NM_001407647.1); c.3491G>T, p.Gly1164Val (NM_001407648.1, NM_001407664.1, NM_001407665.1 and 19 more transcripts); c.3488G>T, p.Gly1163Val (NM_001407649.1, NM_001407670.1, NM_001407671.1 and 11 more transcripts); c.3536G>T, p.Gly1179Val (NM_001407653.1, NM_001407654.1, NM_001407655.1 and 4 more transcripts); c.3533G>T, p.Gly1178Val (NM_001407659.1, NM_001407660.1, NM_001407661.1 and 1 more transcripts); and 41 more; short protein forms G1158V, G1205V, G1116V, G1138V, G1164V, G337V, G909V, G1134V.
Identifiers: ClinVar variation 651402 (VCV000651402.13), dbSNP rs1597862536, ClinGen allele CA10594739.